The following is an entry in ClinVar:

ClinVar aggregate classification (germline): Conflicting classifications of pathogenicity. Review status: criteria provided, conflicting classifications (1 of 4 stars). 2 submissions from 2 submitters: Uncertain significance (1); Likely benign (1). Last evaluated 2026-05-07.

Conditions:
Renal cell carcinoma. Identifiers: Orphanet 217071, MedGen C0007134, MeSH D002292, MONDO:0005086, HP:0005584.
Hereditary cancer-predisposing syndrome. Also called: Tumor predisposition; Neoplastic Syndromes, Hereditary; Hereditary Cancer Syndrome; Hereditary neoplastic syndrome. Identifiers: Orphanet 140162, MedGen C0027672, MeSH D009386, MONDO:0015356.

Allele frequency attached by ClinVar (database versions not stated): gnomAD exomes below 0.00001.
gnomAD v4.1: 1 of 1,613,758 alleles (0.000062%); highest among the groups gnomAD compares: East Asian, 0.0022%; no homozygotes.

Submissions (2):

Ambry Genetics
Classification: Likely benign for Hereditary cancer-predisposing syndrome. Last evaluated: 2026-05-07. Review status: criteria provided, single submitter. Criteria: Ambry Variant Classification Scheme 2023. Collection method: clinical testing. Allele origin: germline.

Labcorp Genetics (formerly Invitae), Labcorp
Classification: Uncertain significance for Renal cell carcinoma. Last evaluated: 2025-04-02. Review status: criteria provided, single submitter. Criteria: Invitae Variant Classification Sherloc (09022015). Collection method: clinical testing. Allele origin: germline.
Comment: This sequence change replaces valine, which is neutral and non-polar, with isoleucine, which is neutral and non-polar, at codon 781 of the MET protein (p.Val781Ile). This variant is not present in population databases (gnomAD no frequency). This variant has not been reported in the literature in individuals affected with MET-related conditions. ClinVar contains an entry for this variant (Variation ID: 1421423). Invitae Evidence Modeling of protein sequence and biophysical properties (such as structural, functional, and spatial information, amino acid conservation, physicochemical variation, residue mobility, and thermodynamic stability) indicates that this missense variant is not expected to disrupt MET protein function with a negative predictive value of 80%. In summary, the available evidence is currently insufficient to determine the role of this variant in disease. Therefore, it has been classified as a Variant of Uncertain Significance.

NM_000245.4(MET):c.2287G>A (p.Val763Ile)

Gene: MET (MET proto-oncogene, receptor tyrosine kinase; plus strand). Cytogenetic location: 7q31.2.
Variant type: single nucleotide variant.
Coding change: c.2287G>A on transcript NM_000245.4 (MANE Select); coding-DNA position 2287, G replaced by A.
Protein change: p.Val763Ile; replaces valine 763 with isoleucine.
Molecular consequence: missense variant.
Genome position (GRCh38, 1-based): chr7:116,759,413, G>A. VCF-style: chr7-116759413-G-A. GRCh37 (hg19) VCF-style: chr7-116399467-G-A.
Other names: c.2341G>A, p.Val781Ile (NM_001127500.3); c.2287G>A, p.Val763Ile (NM_001324401.3); c.997G>A, p.Val333Ile (NM_001324402.2); c.2341G>A (NM_001127500.1); short protein forms V763I, V333I, V781I.
Identifiers: ClinVar variation 1421423 (VCV001421423.10), dbSNP rs2116937873, ClinGen allele CA368982033.
Genomic context (GRCh38, chr7:116,759,413, plus strand): 5'-CCTCTCAACATTGTCAGTTTTCTATTTTGCTTTGCCAGTGGTGGGAGCACAATAACAGGT[G>A]TTGGGAAAAACCTGAATTCAGTTAGTGTCCCGAGAATGGTCATAAATGTGCATGAAGCAG-3'
Protein context (NP_000236.2, residues 753-773): FISGGSTITG[Val763Ile]GKNLNSVSVP